The following is an entry in ClinVar:

ClinVar aggregate classification (germline): Conflicting classifications of pathogenicity. Review status: criteria provided, conflicting classifications (1 of 4 stars). 5 submissions from 5 submitters: Uncertain significance (4); Likely benign (1). Last evaluated 2024-11-01.

Conditions:
Inborn genetic diseases. Identifiers: MedGen C0950123, MeSH D030342.
Jeune thoracic dystrophy. Also called: Jeune syndrome; Infantile thoracic dystrophy; Thoracic pelvic phalangeal dystrophy; Jeune's syndrome; Chondroectodermal dysplasia-like syndrome; Short-rib thoracic dysplasia. Identifiers: Orphanet 474, MedGen C0265275, MONDO:0018770.
Asphyxiating thoracic dystrophy 3. Also called: SHORT-RIB THORACIC DYSPLASIA 3 WITH OR WITHOUT POLYDACTYLY; POLYDACTYLY WITH NEONATAL CHONDRODYSTROPHY, TYPE I; SHORT-RIB THORACIC DYSPLASIA 3/6 WITH POLYDACTYLY, DIGENIC; Short rib polydactyly syndrome 2B; Saldino-Noonan Syndrome. Identifiers: Orphanet 474, Orphanet 93269, Orphanet 93270, Orphanet 93271, MedGen C0036069, MONDO:0013127, OMIM 613091.

Allele frequency attached by ClinVar (database versions not stated): gnomAD 0.00003 and 0.00004; gnomAD exomes 0.00004; TOPMed 0.00006; ExAC 0.00007.
gnomAD v4.1: 87 of 1,609,334 alleles (0.0054%); highest among the groups gnomAD compares: Non-Finnish European, 0.0068%; no homozygotes.

Submissions (5):

Blueprint Genetics
Classification: Likely benign. Last evaluated: 2024-11-01. Review status: criteria provided, single submitter. Criteria: ACMG Guidelines, 2015. Collection method: clinical testing. Allele origin: germline.

Ambry Genetics
Classification: Uncertain significance for Inborn genetic diseases. Last evaluated: 2024-10-16. Review status: criteria provided, single submitter. Criteria: Ambry Variant Classification Scheme 2023. Collection method: clinical testing. Allele origin: germline.

Labcorp Genetics (formerly Invitae), Labcorp
Classification: Uncertain significance for Jeune thoracic dystrophy. Last evaluated: 2021-09-21. Review status: criteria provided, single submitter. Criteria: Invitae Variant Classification Sherloc (09022015). Collection method: clinical testing. Allele origin: germline.
Comment: This sequence change replaces glutamic acid with aspartic acid at codon 3195 of the DYNC2H1 protein (p.Glu3195Asp). The glutamic acid residue is moderately conserved and there is a small physicochemical difference between glutamic acid and aspartic acid. This variant is present in population databases (rs758118161, ExAC 0.01%). This variant has not been reported in the literature in individuals affected with DYNC2H1-related conditions. ClinVar contains an entry for this variant (Variation ID: 618612). Algorithms developed to predict the effect of missense changes on protein structure and function (SIFT, PolyPhen-2, Align-GVGD) all suggest that this variant is likely to be tolerated. In summary, the available evidence is currently insufficient to determine the role of this variant in disease. Therefore, it has been classified as a Variant of Uncertain Significance.

Illumina Laboratory Services, Illumina
Classification: Uncertain significance for Asphyxiating thoracic dystrophy 3. Last evaluated: 2018-02-16. Review status: criteria provided, single submitter. Criteria: ICSL Variant Classification Criteria 13 December 2019. Collection method: clinical testing. Allele origin: germline.

ARUP Laboratories, Molecular Genetics and Genomics, ARUP Laboratories
Classification: Uncertain significance. Last evaluated: 2017-07-13. Review status: criteria provided, single submitter. Criteria: ARUP Molecular Germline Variant Investigation Process. Collection method: clinical testing. Allele origin: germline.
Comment: The DYNC2H1 c.9585G>C; p.Glu3195Asp variant (rs758118161) has not been reported in the medical literature. This variant is reported in general population databases with an allele frequency of 0.01 percent (13/125444 alleles) in Europeans (Genome Aggregation Database). The glutamate at codon 3195 is moderately conserved across species, but computational algorithms (SIFT, PolyPhen2, MutationTaster) predict this variant to be tolerated. However, due to the limited information for p.Glu3195Asp, its clinical significance is uncertain at this time.

NM_001377.3(DYNC2H1):c.9585G>C (p.Glu3195Asp)

Gene: DYNC2H1 (dynein cytoplasmic 2 heavy chain 1; plus strand). Cytogenetic location: 11q22.3.
Variant type: single nucleotide variant.
Coding change: c.9585G>C on transcript NM_001377.3 (MANE Select); coding-DNA position 9585, G replaced by C.
Protein change: p.Glu3195Asp; replaces glutamic acid 3195 with aspartic acid.
Molecular consequence: missense variant.
Genome position (GRCh38, 1-based): chr11:103,235,689, G>C. VCF-style: chr11-103235689-G-C. GRCh37 (hg19) VCF-style: chr11-103106418-G-C.
Other names: c.9585G>C, p.Glu3195Asp (NM_001080463.2); short protein forms E3195D.
Identifiers: ClinVar variation 618612 (VCV000618612.17), dbSNP rs758118161, ClinGen allele CA6254730.
Genomic context (GRCh38, chr11:103,235,689, plus strand): 5'-CATACTCATATATCTCCCTCTTTCTTCTCTCTCTTTTTTCCAGGTTGTAGAGATAACAGA[G>C]GAATTAGCTACTCTTCCTAAAAGAGCTCAACTTGCTGCTGCATTTATTACATATCTTTCT-3'
Protein context (NP_001368.2, residues 3185-3205): RWNAQVVEIT[Glu3195Asp]ELATLPKRAQ